The following is an entry in ClinVar:

NM_170601.5(SIAE):c.857C>G (p.Thr286Arg)

Gene: SIAE (sialic acid acetylesterase; minus strand). Cytogenetic location: 11q24.2.
Variant type: single nucleotide variant.
Coding change: c.857C>G on transcript NM_170601.5 (MANE Select); coding-DNA position 857, C replaced by G.
Protein change: p.Thr286Arg; replaces threonine 286 with arginine.
Molecular consequence: missense variant.
Genome position (GRCh38, 1-based): chr11:124,647,474, G>C on the plus strand (C>G on the coding strand, the complement: SIAE is on the minus strand). VCF-style: chr11-124647474-G-C. GRCh37 (hg19) VCF-style: chr11-124517370-G-C.
Other names: c.752C>G, p.Thr251Arg (NM_001199922.2); short protein forms T251R, T286R.
Identifiers: ClinVar variation 1386151 (VCV001386151.8), dbSNP rs147977671, ClinGen allele CA6341385.

ClinVar aggregate classification (germline): Uncertain significance (1 of 4 stars; one submission).

gnomAD v4.1: 103 of 1,614,018 alleles (0.0064%); highest among the groups gnomAD compares: Non-Finnish European, 0.0082%; no homozygotes.

Submission:

Labcorp Genetics (formerly Invitae), Labcorp
Classification: Uncertain significance. Last evaluated: 2025-06-22. Review status: criteria provided, single submitter. Criteria: Invitae Variant Classification Sherloc (09022015). Collection method: clinical testing. Allele origin: germline.
Comment: This sequence change replaces threonine, which is neutral and polar, with arginine, which is basic and polar, at codon 286 of the SIAE protein (p.Thr286Arg). This variant is present in population databases (rs147977671, gnomAD 0.01%). This variant has not been reported in the literature in individuals affected with SIAE-related conditions. ClinVar contains an entry for this variant (Variation ID: 1386151). An algorithm developed to predict the effect of missense changes on protein structure and function outputs the following: PolyPhen-2: "Benign". The arginine amino acid residue is found in multiple mammalian species, which suggests that this missense change does not adversely affect protein function. Algorithms developed to predict the effect of sequence changes on RNA splicing suggest that this variant may disrupt the consensus splice site. In summary, the available evidence is currently insufficient to determine the role of this variant in disease. Therefore, it has been classified as a Variant of Uncertain Significance.